The following is an entry in ClinVar:

ClinVar aggregate classification (germline): Conflicting classifications of pathogenicity. Review status: criteria provided, conflicting classifications (1 of 4 stars). 3 submissions from 3 submitters: Uncertain significance (1); Benign (1); Likely benign (1). Last evaluated 2026-01-21.

Conditions:
Hereditary cancer-predisposing syndrome. Also called: Neoplastic Syndromes, Hereditary; Tumor predisposition; Hereditary Cancer Syndrome; Hereditary neoplastic syndrome. Identifiers: Orphanet 140162, MedGen C0027672, MeSH D009386, MONDO:0015356.
Gorlin syndrome. Also called: Nevoid Basal Cell Carcinoma Syndrome; Basal cell nevus syndrome. Identifiers: Orphanet 377, MedGen C0004779, MONDO:0007187.

Allele frequency attached by ClinVar (database versions not stated): ExAC 0.00001; gnomAD 0.00001; gnomAD exomes 0.00001; TOPMed 0.00001.
gnomAD v4.1: 23 of 1,614,116 alleles (0.0014%); highest among the groups gnomAD compares: African/African-American, 0.0053%; no homozygotes.

Submissions (3):

Labcorp Genetics (formerly Invitae), Labcorp
Classification: Benign for Gorlin syndrome. Last evaluated: 2026-01-21. Review status: criteria provided, single submitter. Criteria: Invitae Variant Classification Sherloc (09022015). Collection method: clinical testing. Allele origin: germline.

Quest Diagnostics Nichols Institute San Juan Capistrano
Classification: Uncertain significance. Last evaluated: 2025-10-16. Review status: criteria provided, single submitter. Criteria: Quest Diagnostics criteria. Collection method: clinical testing. Allele origin: unknown.
Comment: The PTCH1 c.3787G>A (p.Val1263Ile) variant has not been reported in the germline of individuals affected with PTCH1-related conditions in the published literature. The frequency of this variant in the general population (Genome Aggregation Database) is uninformative in the assessment of its pathogenicity. Analysis of this variant using bioinformatics tools for the prediction of the effect of amino acid changes on protein structure and function yielded predictions that this variant is benign. Based on the available information, we are unable to determine the clinical significance of this variant.

Ambry Genetics
Classification: Likely benign for Hereditary cancer-predisposing syndrome. Last evaluated: 2024-05-24. Review status: criteria provided, single submitter. Criteria: Ambry Variant Classification Scheme 2023. Collection method: clinical testing. Allele origin: germline.

Literature cited by the submitters: PubMed 33020649 (cited by Quest Diagnostics Nichols Institute San Juan Capistrano).

NM_000264.5(PTCH1):c.3787G>A (p.Val1263Ile)

Gene: PTCH1 (patched 1; minus strand). Cytogenetic location: 9q22.32.
Variant type: single nucleotide variant.
Coding change: c.3787G>A on transcript NM_000264.5 (MANE Select); coding-DNA position 3787, G replaced by A.
Protein change: p.Val1263Ile; replaces valine 1263 with isoleucine.
Molecular consequence: missense variant. On other transcripts: non-coding transcript variant (1).
Genome position (GRCh38, 1-based): chr9:95,449,086, C>T on the plus strand (G>A on the coding strand, the complement: PTCH1 is on the minus strand). VCF-style: chr9-95449086-C-T. GRCh37 (hg19) VCF-style: chr9-98211368-C-T.
Other names: c.3589G>A, p.Val1197Ile (NM_001083602.3); c.3784G>A, p.Val1262Ile (NM_001083603.3); c.3334G>A, p.Val1112Ile (NM_001083604.3, NM_001083605.3, NM_001083606.3 and 1 more transcripts); c.3631G>A, p.Val1211Ile (NM_001354918.2); c.3787G>A (NM_000264.4); short protein forms V1263I, V1197I, V1211I, V1112I, V1262I.
Identifiers: ClinVar variation 524568 (VCV000524568.16), dbSNP rs752831580, ClinGen allele CA5138062.